The following is an entry in ClinVar:

ClinVar aggregate classification (germline): Pathogenic. Review status: criteria provided, multiple submitters, no conflicts (2 of 4 stars). 3 submissions from 3 submitters: Pathogenic (3). Last evaluated 2025-09-13.

Conditions:
Arthrogryposis multiplex congenita 6. Identifiers: MedGen C5543431, MONDO:0030281, OMIM 619334.
Nemaline myopathy 2 (NEM2). Also called: Nemaline myopathy 2, autosomal recessive. Identifiers: MedGen C1850569, MONDO:0009725, OMIM 256030.

Submissions (3):

Natera, Inc.
Classification: Pathogenic for Nemaline myopathy type 2. Last evaluated: 2025-09-13. Review status: criteria provided, single submitter. Criteria: Natera Variant Classification Schema (03/2026). Collection method: clinical testing. Allele origin: germline.
Comment: The c.12996G>A variant in NEB is a nonsense variant predicted to introduce a stop codon at amino acid 4332. This variant is expected to result in nonsense mediated decay, truncation, or a dysfunctional protein product. This variant is rare in the general population with a frequency below the threshold expected for the associated phenotype(s). This variant has been observed in one or more individuals affected with the associated recessive disease, as either homozygous or compound heterozygous with a second variant (PMID: 25205138). Given the available evidence, this variant is classified as Pathogenic.

Labcorp Genetics (formerly Invitae), Labcorp
Classification: Pathogenic for Nemaline myopathy 2. Last evaluated: 2024-01-31. Review status: criteria provided, single submitter. Criteria: Invitae Variant Classification Sherloc (09022015). Collection method: clinical testing. Allele origin: germline.
Comment: This variant occurs in a region of NEB (Exons 82-105) consisting of three highly homologous 8-exon repeat units (exons 82-89, exons 90-97, exons 98-105). Sequence variants in this region can be detected, but this assay cannot determine which of the three repeat units is affected, and zygosity is often ambiguous. All variants in this region are reported relative to the exon 82-89 repeat. This sequence change creates a premature translational stop signal (p.Trp4332*) in the NEB gene. It is expected to result in an absent or disrupted protein product. Loss-of-function variants in NEB are known to be pathogenic (PMID: 25205138). The frequency data for this variant in the population databases (gnomAD) is considered unreliable due to the presence of homologous sequence, such as pseudogenes or paralogs, in the genome. This premature translational stop signal has been observed in individuals with nemaline myopathy (PMID: 25205138; Invitae). ClinVar contains an entry for this variant (Variation ID: 1073754). For these reasons, this variant has been classified as Pathogenic.

Baylor Genetics
Classification: Pathogenic for Arthrogryposis multiplex congenita 6. Last evaluated: 2023-09-12. Review status: criteria provided, single submitter. Criteria: ACMG Guidelines, 2015. Collection method: clinical testing. Allele origin: unknown.

Literature cited by the submitters: PubMed 25205138 (cited by Natera, Inc. and Labcorp Genetics (formerly Invitae), Labcorp).

NM_001164508.2(NEB):c.12996G>A (p.Trp4332Ter)

Gene: NEB (nebulin; minus strand). Cytogenetic location: 2q23.3.
Variant type: single nucleotide variant.
Coding change: c.12996G>A on transcript NM_001164508.2 (MANE Select); coding-DNA position 12996, G replaced by A.
Protein change: p.Trp4332Ter; replaces tryptophan 4332 with a stop codon.
Molecular consequence: nonsense. On other transcripts: intron variant (1).
Genome position (GRCh38, 1-based): chr2:151,604,623, C>T on the plus strand (G>A on the coding strand, the complement: NEB is on the minus strand). VCF-style: chr2-151604623-C-T. GRCh37 (hg19) VCF-style: chr2-152461137-C-T.
Other names: c.12996G>A (NM_001271208.1); c.12996G>A, p.Trp4332Ter (NM_001271208.2, NM_001164507.2); c.11601+5186G>A (NM_004543.5); short protein forms W4332*.
Identifiers: ClinVar variation 1073754 (VCV001073754.9), dbSNP rs2153939368, ClinGen allele CA348772927.